The following is an entry in ClinVar:

NM_024529.5(CDC73):c.230G>A (p.Arg77His)

Gene: CDC73 (cell division cycle 73; plus strand). Cytogenetic location: 1q31.2.
Variant type: single nucleotide variant.
Coding change: c.230G>A on transcript NM_024529.5 (MANE Select); coding-DNA position 230, G replaced by A.
Protein change: p.Arg77His; replaces arginine 77 with histidine.
Molecular consequence: missense variant.
Genome position (GRCh38, 1-based): chr1:193,125,210, G>A. VCF-style: chr1-193125210-G-A. GRCh37 (hg19) VCF-style: chr1-193094340-G-A.
Other names: short protein forms R77H.
Identifiers: ClinVar variation 640847 (VCV000640847.8), dbSNP rs1572142617, ClinGen allele CA343973244.

ClinVar aggregate classification (germline): Uncertain significance. Review status: criteria provided, multiple submitters, no conflicts (2 of 4 stars). 2 submissions from 2 submitters: Uncertain significance (2). Last evaluated 2025-08-19.

Conditions:
Hereditary cancer-predisposing syndrome. Also called: Neoplastic Syndromes, Hereditary; Tumor predisposition; Hereditary Cancer Syndrome; Hereditary neoplastic syndrome. Identifiers: Orphanet 140162, MedGen C0027672, MeSH D009386, MONDO:0015356.
Parathyroid carcinoma (PRTC). Also called: Parathyroid gland carcinoma; CDC73-Related Parathyroid Carcinoma. Identifiers: Orphanet 143, MedGen C0687150, MONDO:0012004, OMIM 608266, HP:0006780.

Submissions (2):

Ambry Genetics
Classification: Uncertain significance for Hereditary cancer-predisposing syndrome. Last evaluated: 2025-08-19. Review status: criteria provided, single submitter. Criteria: Ambry Variant Classification Scheme 2023. Collection method: clinical testing. Allele origin: germline.
Comment: The p.R77H variant (also known as c.230G>A), located in coding exon 2 of the CDC73 gene, results from a G to A substitution at nucleotide position 230. The arginine at codon 77 is replaced by histidine, an amino acid with highly similar properties. This amino acid position is conserved. In addition, the in silico prediction for this alteration is inconclusive. Based on the available evidence, the clinical significance of this variant remains unclear.

Labcorp Genetics (formerly Invitae), Labcorp
Classification: Uncertain significance for Parathyroid carcinoma. Last evaluated: 2023-06-26. Review status: criteria provided, single submitter. Criteria: Invitae Variant Classification Sherloc (09022015). Collection method: clinical testing. Allele origin: germline.
Comment: This variant has not been reported in the literature in individuals affected with CDC73-related conditions. In summary, the available evidence is currently insufficient to determine the role of this variant in disease. Therefore, it has been classified as a Variant of Uncertain Significance. Advanced modeling of protein sequence and biophysical properties (such as structural, functional, and spatial information, amino acid conservation, physicochemical variation, residue mobility, and thermodynamic stability) performed at Invitae indicates that this missense variant is not expected to disrupt CDC73 protein function. ClinVar contains an entry for this variant (Variation ID: 640847). This variant is not present in population databases (gnomAD no frequency). This sequence change replaces arginine, which is basic and polar, with histidine, which is basic and polar, at codon 77 of the CDC73 protein (p.Arg77His).